The following is an entry in ClinVar:

ClinVar aggregate classification (germline): Uncertain significance (1 of 4 stars; one submission).

gnomAD v4.1: 1 of 1,613,934 alleles (0.000062%); highest among the groups gnomAD compares: East Asian, 0.0022%; no homozygotes.

Submission:

Labcorp Genetics (formerly Invitae), Labcorp
Classification: Uncertain significance. Last evaluated: 2023-11-15. Review status: criteria provided, single submitter. Criteria: Invitae Variant Classification Sherloc (09022015). Collection method: clinical testing. Allele origin: germline.
Comment: This sequence change replaces proline, which is neutral and non-polar, with alanine, which is neutral and non-polar, at codon 488 of the CLCN3 protein (p.Pro488Ala). This variant is not present in population databases (gnomAD no frequency). This variant has not been reported in the literature in individuals affected with CLCN3-related conditions. ClinVar contains an entry for this variant (Variation ID: 1949235). An algorithm developed to predict the effect of missense changes on protein structure and function (PolyPhen-2) suggests that this variant is likely to be disruptive. In summary, the available evidence is currently insufficient to determine the role of this variant in disease. Therefore, it has been classified as a Variant of Uncertain Significance.

NM_001829.4(CLCN3):c.1462C>G (p.Pro488Ala)

Gene: CLCN3 (chloride voltage-gated channel 3; plus strand). Cytogenetic location: 4q33.
Variant type: single nucleotide variant.
Coding change: c.1462C>G on transcript NM_001829.4 (MANE Select); coding-DNA position 1462, C replaced by G.
Protein change: p.Pro488Ala; replaces proline 488 with alanine.
Molecular consequence: missense variant.
Genome position (GRCh38, 1-based): chr4:169,697,633, C>G. VCF-style: chr4-169697633-C-G. GRCh37 (hg19) VCF-style: chr4-170618784-C-G.
Other names: c.1381C>G, p.Pro461Ala (NM_001243372.2, NM_001243374.2); c.1462C>G, p.Pro488Ala (NM_173872.4); short protein forms P461A, P488A.
Identifiers: ClinVar variation 1949235 (VCV001949235.5), dbSNP rs1732616504, ClinGen allele CA358740030.
Genomic context (GRCh38, chr4:169,697,633, plus strand): 5'-TCCTCTTCTCTTTGTGACTACAGAAATGACATGAATGCCAGTAAAATTGTCGATGACATT[C>G]CTGATCGTCCAGCAGGCATTGGAGTATATTCAGCTATATGGCAGTTATGCCTGGCACTCA-3'
Protein context (NP_001820.2, residues 478-498): MNASKIVDDI[Pro488Ala]DRPAGIGVYS